The following is an entry in ClinVar:

ClinVar aggregate classification (germline): Uncertain significance. Review status: criteria provided, multiple submitters, no conflicts (2 of 4 stars). 2 submissions from 2 submitters: Uncertain significance (2). Last evaluated 2025-11-25.

Allele frequency attached by ClinVar (database versions not stated): ExAC 0.00001; gnomAD exomes 0.00002; TOPMed 0.00002.
gnomAD v4.1: 5 of 1,614,072 alleles (0.00031%); highest among the groups gnomAD compares: Admixed American, 0.0083%; no homozygotes.

Submissions (2):

Labcorp Genetics (formerly Invitae), Labcorp
Classification: Uncertain significance. Last evaluated: 2025-11-25. Review status: criteria provided, single submitter. Criteria: Invitae Variant Classification Sherloc (09022015). Collection method: clinical testing. Allele origin: germline.
Comment: This sequence change replaces serine, which is neutral and polar, with alanine, which is neutral and non-polar, at codon 93 of the MKL1 protein (p.Ser93Ala). This variant is present in population databases (rs760468550, gnomAD 0.01%). This variant has not been reported in the literature in individuals affected with MKL1-related conditions. ClinVar contains an entry for this variant (Variation ID: 1683157). An algorithm developed to predict the effect of missense changes on protein structure and function (PolyPhen-2) suggests that this variant is likely to be disruptive. In summary, the available evidence is currently insufficient to determine the role of this variant in disease. Therefore, it has been classified as a Variant of Uncertain Significance.

Ambry Genetics
Classification: Uncertain significance. Last evaluated: 2024-08-01. Review status: criteria provided, single submitter. Criteria: Ambry Variant Classification Scheme 2023. Collection method: clinical testing. Allele origin: germline.

NM_020831.6(MRTFA):c.577T>G (p.Ser193Ala)

Gene: MRTFA (myocardin related transcription factor A; minus strand). Cytogenetic location: 22q13.1.
Variant type: single nucleotide variant.
Coding change: c.577T>G on transcript NM_020831.6 (MANE Select); coding-DNA position 577, T replaced by G.
Protein change: p.Ser193Ala; replaces serine 193 with alanine.
Molecular consequence: missense variant.
Genome position (GRCh38, 1-based): chr22:40,429,630, A>C on the plus strand (T>G on the coding strand, the complement: MRTFA is on the minus strand). VCF-style: chr22-40429630-A-C. GRCh37 (hg19) VCF-style: chr22-40825634-A-C.
Other names: c.277T>G, p.Ser93Ala (NM_001282660.2); c.577T>G, p.Ser193Ala (NM_001282661.3, NM_001282662.3); c.382T>G, p.Ser128Ala (NM_001318139.2); c.277T>G (NM_020831.3); short protein forms S128A, S193A, S93A.
Identifiers: ClinVar variation 1683157 (VCV001683157.10), dbSNP rs760468550, ClinGen allele CA10249954.